The following is an entry in ClinVar:

NC_012920.1(MT-ND4L):m.10506A>G

Gene: MT-ND4L (mitochondrially encoded NADH dehydrogenase 4L; plus strand).
Variant type: single nucleotide variant.
Genome position: chrM-10506-A-G.
Identifiers: ClinVar variation 693293 (VCV000693293.2), dbSNP rs199688733, ClinGen allele CA337098854.
Genomic context (GRCh38, chrMT:10,506, plus strand): 5'-AATTATGATAATCATATTTACCAAATGCCCCTCATTTACATAAATATTATACTAGCATTT[A>G]CCATCTCACTTCTAGGAATACTAGTATATCGCTCACACCTCATATCCTCCCTACTATGCC-3'

ClinVar aggregate classification (germline): Benign/Likely benign. Review status: criteria provided, multiple submitters, no conflicts (2 of 4 stars). 2 submissions from 2 submitters: Benign (1); Likely benign (1). Last evaluated 2025-02-16.

Conditions:
Leigh syndrome (NULS). Also called: Leigh's necrotizing encephalopathy; Leigh's disease; Leigh Syndrome (mtDNA deletion); Leigh Disease; Subacute necrotizing encephalopathy; Necrotizing encephalopathy infantile subacute of Leigh. Identifiers: Orphanet 506, MedGen C2931891, MONDO:0009723, OMIM 256000.

Submissions (2):

Laboratory of Genetics, Children's Clinical University Hospital Latvia
Classification: Likely benign. Last evaluated: 2025-02-16. Review status: criteria provided, single submitter. Criteria: ACMG Guidelines, 2015. Collection method: clinical testing. Allele origin: germline. Affected: yes.

Wong Mito Lab, Molecular and Human Genetics, Baylor College of Medicine
Classification: Benign for Leigh syndrome. Last evaluated: 2019-10-17. Review status: criteria provided, single submitter. Criteria: Modified ACMG Guidelines (Unpublished). Collection method: clinical testing. Allele origin: germline.
Comment: The NC_012920.1:m.10506A>G (YP_003024034.1:p.Thr13Ala) variant in MTND4L gene is interpretated to be a Benign variant based on the modified ACMG guidelines (unpublished). This variant meets the following evidence codes: BS1, BS2, BP4